The following is an entry in ClinVar:

NM_025114.4(CEP290):c.7210-16A>G

Genes: CEP290 (centrosomal protein 290; minus strand), RLIG1 (RNA 5'-phosphate and 3'-OH ligase 1; plus strand). Cytogenetic location: 12q21.32.
Variant type: single nucleotide variant.
Coding change: c.7210-16A>G on transcript NM_025114.4 (MANE Select); 16 bases into the intron before coding-DNA position 7210, A replaced by G.
Molecular consequence: intron variant. On other transcripts: 3 prime UTR variant (1).
Genome position (GRCh38, 1-based): chr12:88,049,430, T>C on the plus strand (A>G on the coding strand, the complement: CEP290 is on the minus strand). VCF-style: chr12-88049430-T-C. GRCh37 (hg19) VCF-style: chr12-88443207-T-C.
Other names: c.*1008T>C (NM_001009894.3).
Identifiers: ClinVar variation 1430273 (VCV001430273.6), dbSNP rs762987255, ClinGen allele CA6711316.

ClinVar aggregate classification (germline): Uncertain significance. Review status: criteria provided, multiple submitters, no conflicts (2 of 4 stars). 2 submissions from 2 submitters: Uncertain significance (2). Last evaluated 2025-05-30.

Conditions:
Joubert syndrome. Also called: CEREBELLOPARENCHYMAL DISORDER IV; JOUBERT-BOLTSHAUSER SYNDROME; Familial aplasia of the vermis. Identifiers: Orphanet 475, MedGen C5979921, MONDO:0018772.
Nephronophthisis. Also called: Juvenile Nephronophthisis. Identifiers: Orphanet 655, MedGen C0687120, MONDO:0019005, HP:0000090.
Meckel-Gruber syndrome. Also called: DYSENCEPHALIA SPLANCHNOCYSTICA; GRUBER SYNDROME; Dysencephalia splachnocystica. Identifiers: Orphanet 564, MedGen C0265215, MONDO:0018921.

Allele frequency attached by ClinVar (database versions not stated): gnomAD 0.00001; gnomAD exomes 0.00001; ExAC 0.00003; TOPMed 0.00003.
gnomAD v4.1: 8 of 1,242,650 alleles (0.00064%); highest among the groups gnomAD compares: Admixed American, 0.005%; no homozygotes.

Submissions (2):

Labcorp Genetics (formerly Invitae), Labcorp
Classification: Uncertain significance for Joubert syndrome; Meckel-Gruber syndrome; Nephronophthisis. Last evaluated: 2025-05-30. Review status: criteria provided, single submitter. Criteria: Invitae Variant Classification Sherloc (09022015). Collection method: clinical testing. Allele origin: germline.
Comment: This sequence change falls in intron 53 of the CEP290 gene. It does not directly change the encoded amino acid sequence of the CEP290 protein. This variant is present in population databases (rs762987255, gnomAD 0.002%). This variant has not been reported in the literature in individuals affected with CEP290-related conditions. ClinVar contains an entry for this variant (Variation ID: 1430273). Algorithms developed to predict the effect of sequence changes on RNA splicing suggest that this variant may create or strengthen a splice site. In summary, the available evidence is currently insufficient to determine the role of this variant in disease. Therefore, it has been classified as a Variant of Uncertain Significance.

Women's Health and Genetics/Laboratory Corporation of America, LabCorp
Classification: Uncertain significance. Last evaluated: 2025-03-24. Review status: criteria provided, single submitter. Criteria: LabCorp Variant Classification Summary - May 2015. Collection method: clinical testing. Allele origin: germline.
Comment: Variant summary: CEP290 c.7210-16A>G alters a nucleotide located at a position not widely known to affect splicing. Several computational tools predict a significant impact on normal splicing: Three predict the variant creates a 5' donor site. However, these predictions have yet to be confirmed by functional studies. The variant allele was found at a frequency of 7.3e-06 in 137186 control chromosomes (gnomAD). The available data on variant occurrences in the general population are insufficient to allow any conclusion about variant significance. To our knowledge, no occurrence of c.7210-16A>G in individuals affected with Meckel Syndrome Type 4 and no experimental evidence demonstrating its impact on protein function have been reported. ClinVar contains an entry for this variant (Variation ID: 1430273). Based on the evidence outlined above, the variant was classified as uncertain significance.